The following is an entry in ClinVar:

ClinVar aggregate classification (germline): Uncertain significance (1 of 4 stars; one submission).

Conditions:
Hereditary cancer-predisposing syndrome. Also called: Neoplastic Syndromes, Hereditary; Tumor predisposition; Hereditary neoplastic syndrome; Hereditary Cancer Syndrome. Identifiers: Orphanet 140162, MedGen C0027672, MeSH D009386, MONDO:0015356.

Submission:

Ambry Genetics
Classification: Uncertain significance for Hereditary cancer-predisposing syndrome. Last evaluated: 2022-12-18. Review status: criteria provided, single submitter. Criteria: Ambry Variant Classification Scheme 2023. Collection method: clinical testing. Allele origin: germline.
Comment: The p.H502Q variant (also known as c.1506C>G), located in coding exon 16 of the CDC73 gene, results from a C to G substitution at nucleotide position 1506. The histidine at codon 502 is replaced by glutamine, an amino acid with highly similar properties. This amino acid position is conserved. In addition, the in silico prediction for this alteration is inconclusive. Since supporting evidence is limited at this time, the clinical significance of this alteration remains unclear.

NM_024529.5(CDC73):c.1506C>G (p.His502Gln)

Gene: CDC73 (cell division cycle 73; plus strand). Cytogenetic location: 1q31.2.
Variant type: single nucleotide variant.
Coding change: c.1506C>G on transcript NM_024529.5 (MANE Select); coding-DNA position 1506, C replaced by G.
Protein change: p.His502Gln; replaces histidine 502 with glutamine.
Molecular consequence: missense variant.
Genome position (GRCh38, 1-based): chr1:193,249,818, C>G. VCF-style: chr1-193249818-C-G. GRCh37 (hg19) VCF-style: chr1-193218948-C-G.
Other names: short protein forms H502Q.
Identifiers: ClinVar variation 2450576 (VCV002450576.2), dbSNP rs2102073494, ClinGen allele CA344078538.